The following is an entry in ClinVar:

NM_003072.5(SMARCA4):c.608C>T (p.Ala203Val)

Gene: SMARCA4 (SWI/SNF related BAF chromatin remodeling complex subunit ATPase 4; plus strand). Cytogenetic location: 19p13.2.
Variant type: single nucleotide variant.
Coding change: c.608C>T on transcript NM_003072.5 (MANE Select); coding-DNA position 608, C replaced by T.
Protein change: p.Ala203Val; replaces alanine 203 with valine.
Molecular consequence: missense variant. On other transcripts: non-coding transcript variant (1).
Genome position (GRCh38, 1-based): chr19:10,986,441, C>T. VCF-style: chr19-10986441-C-T. GRCh37 (hg19) VCF-style: chr19-11097117-C-T.
Other names: c.608C>T, p.Ala203Val (NM_001128844.3, NM_001128845.2, NM_001128846.2 and 5 more transcripts); short protein forms A203V.
Identifiers: ClinVar variation 484990 (VCV000484990.58), dbSNP rs780497718, ClinGen allele CA9203529.

ClinVar aggregate classification (germline): Uncertain significance. Review status: criteria provided, multiple submitters, no conflicts (2 of 4 stars). 5 submissions from 5 submitters: Uncertain significance (5). Last evaluated 2025-05-09.

Conditions:
Intellectual disability, autosomal dominant 16 (CSS4). Also called: COFFIN-SIRIS SYNDROME 4. Identifiers: Orphanet 1465, MedGen C3553249, MONDO:0013821, OMIM 614609.
Rhabdoid tumor predisposition syndrome 2 (RTPS2). Identifiers: Orphanet 231108, Orphanet 69077, MedGen C2750074, MONDO:0013224, OMIM 613325.
Hereditary cancer-predisposing syndrome. Also called: Hereditary neoplastic syndrome; Neoplastic Syndromes, Hereditary; Hereditary Cancer Syndrome; Tumor predisposition. Identifiers: Orphanet 140162, MedGen C0027672, MeSH D009386, MONDO:0015356.

Allele frequency attached by ClinVar (database versions not stated): gnomAD 0.00001; TOPMed 0.00001; ExAC 0.00008.
gnomAD v4.1: 13 of 1,567,286 alleles (0.00083%); highest among the groups gnomAD compares: East Asian, 0.0024%; no homozygotes.

Submissions (5):

Ambry Genetics
Classification: Uncertain significance for Hereditary cancer-predisposing syndrome. Last evaluated: 2025-05-09. Review status: criteria provided, single submitter. Criteria: Ambry Variant Classification Scheme 2023. Collection method: clinical testing. Allele origin: germline.
Comment: The p.A203V variant (also known as c.608C>T), located in coding exon 3 of the SMARCA4 gene, results from a C to T substitution at nucleotide position 608. The alanine at codon 203 is replaced by valine, an amino acid with similar properties. This variant has been detected in multiple individuals with no reported features of Coffin-Siris syndrome (Ambry internal data). This amino acid position is highly conserved in available vertebrate species. In addition, the in silico prediction for this alteration is inconclusive. Based on the supporting evidence, the association of this alteration with rhabdoid tumor predisposition syndrome is unknown; however, the association of this alteration with Coffin-Siris syndrome is unlikely.

Labcorp Genetics (formerly Invitae), Labcorp
Classification: Uncertain significance for Rhabdoid tumor predisposition syndrome 2. Last evaluated: 2024-12-19. Review status: criteria provided, single submitter. Criteria: Invitae Variant Classification Sherloc (09022015). Collection method: clinical testing. Allele origin: germline.
Comment: This sequence change replaces alanine, which is neutral and non-polar, with valine, which is neutral and non-polar, at codon 203 of the SMARCA4 protein (p.Ala203Val). The frequency data for this variant in the population databases is considered unreliable, as metrics indicate poor data quality at this position in the gnomAD database. This variant has not been reported in the literature in individuals affected with SMARCA4-related conditions. ClinVar contains an entry for this variant (Variation ID: 484990). Invitae Evidence Modeling of protein sequence and biophysical properties (such as structural, functional, and spatial information, amino acid conservation, physicochemical variation, residue mobility, and thermodynamic stability) has been performed for this missense variant. However, the output from this modeling did not meet the statistical confidence thresholds required to predict the impact of this variant on SMARCA4 protein function. In summary, the available evidence is currently insufficient to determine the role of this variant in disease. Therefore, it has been classified as a Variant of Uncertain Significance.

Quest Diagnostics Nichols Institute San Juan Capistrano
Classification: Uncertain significance. Last evaluated: 2024-05-04. Review status: criteria provided, single submitter. Criteria: Quest Diagnostics criteria. Collection method: clinical testing. Allele origin: unknown.

Genome-Nilou Lab
Classification: Uncertain significance for Intellectual disability, autosomal dominant 16. Last evaluated: 2021-07-15. Review status: criteria provided, single submitter. Criteria: ACMG Guidelines, 2015. Collection method: clinical testing. Allele origin: germline. Affected: no.

CeGaT Center for Human Genetics Tuebingen
Classification: Uncertain significance. Last evaluated: 2019-10-01. Review status: criteria provided, single submitter. Criteria: CeGaT Center For Human Genetics Tuebingen Variant Classification Criteria Version 2. Collection method: clinical testing. Allele origin: germline. Affected: yes. Observed: 1 variant allele.